The following is an entry in ClinVar:

ClinVar aggregate classification (germline): Uncertain significance. Review status: criteria provided, multiple submitters, no conflicts (2 of 4 stars). 3 submissions from 3 submitters: Uncertain significance (3). Last evaluated 2025-08-06.

Conditions:
Primary dilated cardiomyopathy (DCM). Also called: Dilated Cardiomyopathy. Identifiers: Orphanet 217604, MedGen C0007193, MeSH D002311, MONDO:0005021, HP:0001644. Inheritance: Various modes of inheritance.

Allele frequency attached by ClinVar (database versions not stated): gnomAD exomes 0.00002 and 0.00001; gnomAD 0.00008 and 0.00007; ExAC 0.00002; TOPMed 0.00004.
gnomAD v4.1: 17 of 1,611,108 alleles (0.0011%); highest among the groups gnomAD compares: African/African-American, 0.023%; 1 homozygote.

Submissions (3):

Ambry Genetics
Classification: Uncertain significance. Last evaluated: 2025-08-06. Review status: criteria provided, single submitter. Criteria: Ambry Variant Classification Scheme 2023. Collection method: clinical testing. Allele origin: germline.
Comment: The p.A514S variant (also known as c.1540G>T), located in coding exon 15 of the NEBL gene, results from a G to T substitution at nucleotide position 1540. The alanine at codon 514 is replaced by serine, an amino acid with similar properties. This amino acid position is conserved. In addition, this alteration is predicted to be tolerated by in silico analysis. Based on the available evidence, the clinical significance of this variant remains unclear.

Labcorp Genetics (formerly Invitae), Labcorp
Classification: Uncertain significance for Primary dilated cardiomyopathy. Last evaluated: 2024-09-14. Review status: criteria provided, single submitter. Criteria: Invitae Variant Classification Sherloc (09022015). Collection method: clinical testing. Allele origin: germline.
Comment: This sequence change replaces alanine, which is neutral and non-polar, with serine, which is neutral and polar, at codon 514 of the NEBL protein (p.Ala514Ser). This variant is present in population databases (rs781572930, gnomAD 0.03%). This variant has not been reported in the literature in individuals affected with NEBL-related conditions. ClinVar contains an entry for this variant (Variation ID: 201908). An algorithm developed to predict the effect of missense changes on protein structure and function (PolyPhen-2) suggests that this variant is likely to be disruptive. In summary, the available evidence is currently insufficient to determine the role of this variant in disease. Therefore, it has been classified as a Variant of Uncertain Significance.

GeneDx
Classification: Uncertain significance. Last evaluated: 2014-11-03. Review status: criteria provided, single submitter. Criteria: GeneDx Variant Classification (06012015). Collection method: clinical testing. Allele origin: germline. Affected: yes.
Comment: p.Ala514Ser (GCA>TCA): c.1540 G>T in exon 15 of the NEBL gene (NM_006393.2). A variant of unknown significance has been identified in the NEBL gene. The A514S variant has not been published as a mutation, nor has it been reported as a benign polymorphism to our knowledge. The A514S variant was not observed in approximately 6,500 individuals of European and African American ancestry in the NHLBI Exome Sequencing Project, indicating it is not a common benign variant in these populations. The A514S variant is a non-conservative amino acid substitution, which is likely to impact secondary protein structure as these residues differ in polarity, charge, size and/or other properties. This substitution occurs at a position that is conserved across species. In silico analysis is inconsistent in its predictions as to whether or not the variant is damaging to the protein structure/function. Missense mutations in nearby residues have not been reported, indicating this region of the protein may tolerate change. Therefore, based on the currently available information, it is unclear whether this variant is a pathogenic mutation or a rare benign variant. The variant is found in CARDIOMYOPATHY panel(s).

NM_006393.3(NEBL):c.1540G>T (p.Ala514Ser)

Gene: NEBL (nebulette; minus strand). Cytogenetic location: 10p12.31.
Variant type: single nucleotide variant.
Coding change: c.1540G>T on transcript NM_006393.3 (MANE Select); coding-DNA position 1540, G replaced by T.
Protein change: p.Ala514Ser; replaces alanine 514 with serine.
Molecular consequence: missense variant. On other transcripts: intron variant (9).
Genome position (GRCh38, 1-based): chr10:20,831,493, C>A on the plus strand (G>T on the coding strand, the complement: NEBL is on the minus strand). VCF-style: chr10-20831493-C-A. GRCh37 (hg19) VCF-style: chr10-21120422-C-A.
Other names: p.A514S:GCA>TCA; c.250-18553G>T (NM_001377326.1, NM_001377327.1, NM_001377328.1); c.358-18553G>T (NM_213569.2, NM_001173484.2, NM_001377322.1); c.301-18553G>T (NM_001377324.1); c.292-18553G>T (NM_001377325.1); c.310-18553G>T (NM_001377323.1); short protein forms A514S.
Identifiers: ClinVar variation 201908 (VCV000201908.13), dbSNP rs781572930, ClinGen allele CA335367.